The following is an entry in ClinVar:

NC_000020.10:g.(?_61992422)_(62038748_?)del

Genes: CHRNA4 (cholinergic receptor nicotinic alpha 4 subunit; minus strand), KCNQ2 (potassium voltage-gated channel subfamily Q member 2; minus strand). Cytogenetic location: 20q13.33.
Variant type: Deletion.
Identifiers: ClinVar variation 831940 (VCV000831940.9).

ClinVar aggregate classification (germline): Conflicting classifications of pathogenicity. Review status: criteria provided, conflicting classifications (1 of 4 stars). 2 submissions from 1 submitter: Pathogenic (1); Uncertain significance (1). Last evaluated 2021-12-24.

Conditions:
Familial sleep-related hypermotor epilepsy. Also called: Autosomal Dominant Sleep-Related Hypermotor (Hyperkinetic) Epilepsy. Identifiers: Orphanet 98784, MedGen C3696898, MONDO:0000030.
Developmental and epileptic encephalopathy. Identifiers: MedGen C5779964, MONDO:0100620.

Submissions (2):

Labcorp Genetics (formerly Invitae), Labcorp
Classification: Pathogenic for Early-infantile DEE. Last evaluated: 2021-12-24. Review status: criteria provided, single submitter. Criteria: Invitae Variant Classification Sherloc (09022015). Collection method: clinical testing. Allele origin: germline.
Comment: This variant is a gross deletion of the genomic region encompassing exon(s) 17 of the KCNQ2 gene, which includes the termination codon. This deletion extends beyond the assayed region for this gene and therefore may encompass additional genes. While this deletion is not anticipated to lead to nonsense mediated decay, it is expected to alter mRNA translation or result in a truncated protein product. This variant has not been reported in the literature in individuals affected with KCNQ2-related conditions. This variant disrupts a region of the KCNQ2 protein in which other variant(s) (p.Cys744Leufs*91, p.Gly727Alafs*140) have been determined to be pathogenic (PMID: 23692823; Invitae). This suggests that this is a clinically significant region of the protein, and that variants that disrupt it are likely to be disease-causing. For these reasons, this variant has been classified as Pathogenic.

Labcorp Genetics (formerly Invitae), Labcorp
Classification: Uncertain significance. Last evaluated: 2021-12-24. Review status: criteria provided, single submitter. Criteria: Invitae Variant Classification Sherloc (09022015). Collection method: clinical testing. Allele origin: germline.
Comment: In summary, the available evidence is currently insufficient to determine the role of this variant in disease. Therefore, it has been classified as a Variant of Uncertain Significance. This variant has not been reported in the literature in individuals affected with CHRNA4-related conditions. This variant is a gross deletion of the genomic region encompassing exon(s) 1 of the CHRNA4 gene, which includes the initiator codon. This deletion extends beyond the assayed region for this gene and therefore may encompass additional genes. It is expected to result in an absent or disrupted protein product. However, the current clinical and genetic evidence is not sufficient to establish whether loss-of-function variants in CHRNA4 cause disease.

Literature cited by the submitters: PubMed 23692823.